The following is an entry in ClinVar:

NM_002439.5(MSH3):c.2498G>T (p.Cys833Phe)

Gene: MSH3 (mutS homolog 3; plus strand). Cytogenetic location: 5q14.1.
Variant type: single nucleotide variant.
Coding change: c.2498G>T on transcript NM_002439.5 (MANE Select); coding-DNA position 2498, G replaced by T.
Protein change: p.Cys833Phe; replaces cysteine 833 with phenylalanine.
Molecular consequence: missense variant.
Genome position (GRCh38, 1-based): chr5:80,787,627, G>T. VCF-style: chr5-80787627-G-T. GRCh37 (hg19) VCF-style: chr5-80083446-G-T.
Other names: short protein forms C833F.
Identifiers: ClinVar variation 1040809 (VCV001040809.8), dbSNP rs1580051149, ClinGen allele CA360283273.
Genomic context (GRCh38, chr5:80,787,627, plus strand): 5'-AATTCAGTGAACATTATCACTCCTTGTGTAAAGCAGTGCATCACCTAGCAACTGTTGACT[G>T]CATTTTCTCCCTGGCCAAGGTCGCTAAGCAAGGAGATTACTGCAGGTAAGATATTTTTCA-3'
Protein context (NP_002430.3, residues 823-843): KAVHHLATVD[Cys833Phe]IFSLAKVAKQ

ClinVar aggregate classification (germline): Uncertain significance (1 of 4 stars; one submission).

Submission:

Labcorp Genetics (formerly Invitae), Labcorp
Classification: Uncertain significance. Last evaluated: 2025-07-09. Review status: criteria provided, single submitter. Criteria: Invitae Variant Classification Sherloc (09022015). Collection method: clinical testing. Allele origin: germline.
Comment: This sequence change replaces cysteine, which is neutral and slightly polar, with phenylalanine, which is neutral and non-polar, at codon 833 of the MSH3 protein (p.Cys833Phe). This variant is not present in population databases (gnomAD no frequency). This variant has not been reported in the literature in individuals affected with MSH3-related conditions. ClinVar contains an entry for this variant (Variation ID: 1040809). An algorithm developed to predict the effect of missense changes on protein structure and function (PolyPhen-2) suggests that this variant is likely to be disruptive. In summary, the available evidence is currently insufficient to determine the role of this variant in disease. Therefore, it has been classified as a Variant of Uncertain Significance.